The following is an entry in ClinVar:

ClinVar aggregate classification (germline): Likely pathogenic (1 of 4 stars; one submission).

Conditions:
Left ventricular noncompaction 7 (LVNC7). Identifiers: Orphanet 54260, MedGen C3554496, MONDO:0014042, OMIM 615092.

gnomAD v4.1: 10 of 1,600,996 alleles (0.00062%); highest among the groups gnomAD compares: Non-Finnish European, 0.00086%; no homozygotes.

Submission:

Regional Center For Medical Genetics Timis, Louis Turcanu Emergency Hospital for Children Timisoara
Classification: Likely pathogenic for Left ventricular noncompaction 7. Last evaluated: 2024-08-12. Review status: criteria provided, single submitter. Criteria: ACMG Guidelines, 2015. Collection method: research. Allele origin: germline. Affected: yes. Observed: 1 heterozygote.
Comment: This variant is present in the healthy population databases with low frequency (gnomAD v4.1.0). This variant is predicted to lead to a complete loss of the canonical splicing donor site where it is located, with exon skipping and loss of function. MIB1 LOF variants are reported in the literature in LVNC. Therefore, the variant was classified as likely pathogenic, according to ACMG 2015 guidelines and ClinGen criteria.

NM_020774.4(MIB1):c.2665+1G>A

Gene: MIB1 (MIB E3 ubiquitin protein ligase 1; plus strand). Cytogenetic location: 18q11.2.
Variant type: single nucleotide variant.
Coding change: c.2665+1G>A on transcript NM_020774.4 (MANE Select); the canonical splice donor site of the intron after coding-DNA position 2665, G replaced by A.
Molecular consequence: splice donor variant.
Genome position (GRCh38, 1-based): chr18:21,853,219, G>A. VCF-style: chr18-21853219-G-A. GRCh37 (hg19) VCF-style: chr18-19433180-G-A.
Identifiers: ClinVar variation 3338302 (VCV003338302.2).